The following is an entry in ClinVar:

NM_000535.7(PMS2):c.988+3A>C

Gene: PMS2 (PMS1 homolog 2, mismatch repair system component; minus strand). Cytogenetic location: 7p22.1.
Variant type: single nucleotide variant.
Coding change: c.988+3A>C on transcript NM_000535.7 (MANE Select); 3 bases into the intron after coding-DNA position 988, A replaced by C.
Molecular consequence: intron variant.
Genome position (GRCh38, 1-based): chr7:5,991,970, T>G on the plus strand (A>C on the coding strand, the complement: PMS2 is on the minus strand). VCF-style: chr7-5991970-T-G. GRCh37 (hg19) VCF-style: chr7-6031601-T-G.
Other names: c.670+3A>C (NM_001322008.2, NM_001322007.2); c.583+3A>C (NM_001322010.2, NM_001322004.2, NM_001322003.2 and 2 more transcripts); c.415+3A>C (NM_001322013.2); c.55+3A>C (NM_001322012.2, NM_001322011.2); c.679+3A>C (NM_001322015.2); c.988+3A>C (NM_001322006.2, NM_001322014.2).
Identifiers: ClinVar variation 823536 (VCV000823536.5), dbSNP rs751329878, ClinGen allele CA915944876.

ClinVar aggregate classification (germline): Uncertain significance (1 of 4 stars; one submission).

Conditions:
Hereditary cancer-predisposing syndrome. Also called: Hereditary Cancer Syndrome; Tumor predisposition; Neoplastic Syndromes, Hereditary; Hereditary neoplastic syndrome. Identifiers: Orphanet 140162, MedGen C0027672, MeSH D009386, MONDO:0015356.

Submission:

Ambry Genetics
Classification: Uncertain significance for Hereditary cancer-predisposing syndrome. Last evaluated: 2026-02-12. Review status: criteria provided, single submitter. Criteria: Ambry Variant Classification Scheme 2023. Collection method: clinical testing. Allele origin: germline.
Comment: The c.988+3A>C intronic variant results from an A to C substitution 3 nucleotides after coding exon 9 in the PMS2 gene. This nucleotide position is not well conserved in available vertebrate species. In silico splice site analysis predicts that this alteration may result in the creation or strengthening of a novel splice acceptor site. Based on the available evidence, the clinical significance of this variant remains unclear.